The following is an entry in ClinVar:

NM_000891.3(KCNJ2):c.952A>T (p.Asn318Tyr)

Gene: KCNJ2 (potassium inwardly rectifying channel subfamily J member 2; plus strand). Cytogenetic location: 17q24.3.
Variant type: single nucleotide variant.
Coding change: c.952A>T on transcript NM_000891.3 (MANE Select); coding-DNA position 952, A replaced by T.
Protein change: p.Asn318Tyr; replaces asparagine 318 with tyrosine.
Molecular consequence: missense variant.
Genome position (GRCh38, 1-based): chr17:70,175,991, A>T. VCF-style: chr17-70175991-A-T. GRCh37 (hg19) VCF-style: chr17-68172132-A-T.
Other names: short protein forms N318Y.
Identifiers: ClinVar variation 4090488 (VCV004090488.1).

ClinVar aggregate classification (germline): Uncertain significance (1 of 4 stars; one submission).

Conditions:
Cardiovascular phenotype. Identifiers: MedGen CN230736.

gnomAD v4.1: 6 of 1,613,868 alleles (0.00037%); highest among the groups gnomAD compares: Non-Finnish European, 0.00042%; no homozygotes.

Submission:

Ambry Genetics
Classification: Uncertain significance for Cardiovascular phenotype. Last evaluated: 2025-06-16. Review status: criteria provided, single submitter. Criteria: Ambry Variant Classification Scheme 2023. Collection method: clinical testing. Allele origin: germline.
Comment: The p.N318Y variant (also known as c.952A>T), located in coding exon 1 of the KCNJ2 gene, results from an A to T substitution at nucleotide position 952. The asparagine at codon 318 is replaced by tyrosine, an amino acid with dissimilar properties. This amino acid position is not well conserved in available vertebrate species. In addition, the in silico prediction for this alteration is inconclusive. Based on the available evidence, the clinical significance of this variant remains unclear.